The following is an entry in ClinVar:

NM_004637.6(RAB7A):c.605C>T (p.Ala202Val)

Genes: RAB7A (RAB7A, member RAS oncogene family; plus strand), LOC112872299 (Sharpr-MPRA regulatory region 6458; plus strand). Cytogenetic location: 3q21.3.
Variant type: single nucleotide variant.
Coding change: c.605C>T on transcript NM_004637.6 (MANE Select); coding-DNA position 605, C replaced by T.
Protein change: p.Ala202Val; replaces alanine 202 with valine.
Molecular consequence: missense variant.
Genome position (GRCh38, 1-based): chr3:128,813,403, C>T. VCF-style: chr3-128813403-C-T. GRCh37 (hg19) VCF-style: chr3-128532246-C-T.
Other names: short protein forms A202V.
Identifiers: ClinVar variation 2684319 (VCV002684319.1), dbSNP rs2107618449, ClinGen allele CA354423722.

ClinVar aggregate classification (germline): Uncertain significance (1 of 4 stars; one submission).

Submission:

Athena Diagnostics
Classification: Uncertain significance. Last evaluated: 2023-06-15. Review status: criteria provided, single submitter. Criteria: Athena Diagnostics Criteria. Collection method: clinical testing. Allele origin: unknown.
Comment: Available data are insufficient to determine the clinical significance of the variant at this time. This variant has not been reported in large, multi-ethnic general populations. Computational tools predict that this variant is not damaging.